The following is an entry in ClinVar:

ClinVar aggregate classification (germline): Likely benign (0 of 4 stars; one submission).

Conditions:
PTPRO-related disorder. Also called: PTPRO-related condition.

Submission:

PreventionGenetics, part of Exact Sciences
Classification: Likely benign for PTPRO-related condition. Last evaluated: 2020-09-03. Review status: no assertion criteria provided. Collection method: clinical testing. Allele origin: germline.
Comment: This variant is classified as likely benign based on ACMG/AMP sequence variant interpretation guidelines (Richards et al. 2015 PMID: 25741868, with internal and published modifications).

NM_030667.3(PTPRO):c.663C>A (p.Ala221=)

Gene: PTPRO (protein tyrosine phosphatase receptor type O; plus strand). Cytogenetic location: 12p12.3.
Variant type: single nucleotide variant.
Coding change: c.663C>A on transcript NM_030667.3 (MANE Select); coding-DNA position 663, C replaced by A.
Protein change: p.Ala221=; no amino-acid change (alanine 221 retained).
Molecular consequence: synonymous variant.
Genome position (GRCh38, 1-based): chr12:15,501,621, C>A. VCF-style: chr12-15501621-C-A. GRCh37 (hg19) VCF-style: chr12-15654555-C-A.
Other names: c.663C>A, p.Ala221= (NM_002848.4).
Identifiers: ClinVar variation 3032894 (VCV003032894.2), dbSNP rs140390981, ClinGen allele CA478851554.
Genomic context (GRCh38, chr12:15,501,621, plus strand): 5'-AAGTATTCACTCTAATTGAATTAAAAAATACTTGAAAATGAAAATTCTCTCTCTTACAGC[C>A]CCTTATCCACCTCAAAATATTTCCGTTCGTATCGTAAACTTGAACAAAAACAACTGGGAA-3'
Protein context (NP_109592.1, residues 211-231): VSHEPKQHRT[Ala221=]PYPPQNISVR